The following is an entry in ClinVar:

NM_000218.3(KCNQ1):c.1514+28539C>T

Genes: KCNQ1 (potassium voltage-gated channel subfamily Q member 1; plus strand), KCNQ1OT1 (KCNQ1 opposite strand/antisense transcript 1; minus strand). Cytogenetic location: 11p15.5.
Variant type: single nucleotide variant.
Coding change: c.1514+28539C>T on transcript NM_000218.3 (MANE Select); 28539 bases into the intron after coding-DNA position 1514, C replaced by T.
Molecular consequence: intron variant. On other transcripts: non-coding transcript variant (1).
Genome position (GRCh38, 1-based): chr11:2,690,620, C>T. VCF-style: chr11-2690620-C-T. GRCh37 (hg19) VCF-style: chr11-2711850-C-T.
Other names: c.1244+28539C>T (NM_001406837.1); c.1418+28539C>T (NM_001406836.1); c.974+28539C>T (NM_001406838.1); c.1133+28539C>T (NM_181798.2).
Identifiers: ClinVar variation 3905552 (VCV003905552.10).

ClinVar aggregate classification (germline): Benign (1 of 4 stars; one submission).

gnomAD v4.1: 183 of 398,632 alleles (0.046%); highest among the groups gnomAD compares: Middle Eastern, 0.19%; no homozygotes.

Submission:

CeGaT Center for Human Genetics Tuebingen
Classification: Benign. Last evaluated: 2026-04-01. Review status: criteria provided, single submitter. Criteria: CeGaT Center For Human Genetics Tuebingen Variant Classification Criteria Version 2. Collection method: clinical testing. Allele origin: germline. Affected: yes. Observed: 2 variant alleles.
Comment: KCNQ1OT1: BS1, BS2